The following is an entry in ClinVar:

ClinVar aggregate classification (germline): not provided (0 of 4 stars; one submission).

Conditions:
Hyperimmunoglobulin D with periodic fever (HIDS). Also called: HYPERIMMUNOGLOBULINEMIA D AND PERIODIC FEVER SYNDROME; Hyperimmunoglobulinemia D; Hyperimmunoglobulinemia D with periodic fever. Identifiers: Orphanet 343, MedGen C0398691, MONDO:0009849, OMIM 260920.

Submission:

Unité médicale des maladies autoinflammatoires, CHRU Montpellier
No classification provided. Condition: Hyperimmunoglobulin D with periodic fever. Review status: no classification provided. Collection method: not provided. Allele origin: unknown.
Comment: also involved in OMIM 25117

NM_000431.4(MVK):c.-13_78+1del

Gene: MVK (mevalonate kinase; plus strand). Cytogenetic location: 12q24.11.
Variant type: Deletion.
Coding change: c.-13_78+1del on transcript NM_000431.4 (MANE Select); 13 bases upstream of the start codon through the canonical splice donor site of the intron after coding-DNA position 78, 92 bases deleted.
Molecular consequence: splice acceptor variant, splice donor variant, initiator codon variant.
Genome position (GRCh38, 1-based): chr12:109,574,810-109,574,901, 92 bases deleted. GRCh37 (hg19): chr12:110,012,615-110,012,706.
Other names: c.-13_78+1del (NM_001301182.2); c.-5-8_78+1del (NM_001114185.3).
Identifiers: ClinVar variation 97559 (VCV000097559.2), dbSNP rs104895309, ClinGen allele CA149763.